The following is an entry in ClinVar:

NM_000264.5(PTCH1):c.1067+2T>A

Gene: PTCH1 (patched 1; minus strand). Cytogenetic location: 9q22.32.
Variant type: single nucleotide variant.
Coding change: c.1067+2T>A on transcript NM_000264.5 (MANE Select); the canonical splice donor site of the intron after coding-DNA position 1067, T replaced by A.
Molecular consequence: splice donor variant.
Genome position (GRCh38, 1-based): chr9:95,479,967, A>T on the plus strand (T>A on the coding strand, the complement: PTCH1 is on the minus strand). VCF-style: chr9-95479967-A-T. GRCh37 (hg19) VCF-style: chr9-98242249-A-T.
Other names: c.1064+2T>A (NM_001083603.3); c.869+2T>A (NM_001083602.3); c.1067+2T>A (NM_001354918.2); c.614+2T>A (NM_001083605.3, NM_001083604.3, NM_001083606.3 and 1 more transcripts).
Identifiers: ClinVar variation 2816664 (VCV002816664.3), dbSNP rs2118387037, ClinGen allele CA374119552.

ClinVar aggregate classification (germline): Pathogenic (1 of 4 stars; one submission).

Conditions:
Gorlin syndrome. Also called: Nevoid Basal Cell Carcinoma Syndrome; Basal cell nevus syndrome. Identifiers: Orphanet 377, MedGen C0004779, MONDO:0007187.

Submission:

Labcorp Genetics (formerly Invitae), Labcorp
Classification: Pathogenic for Gorlin syndrome. Last evaluated: 2022-11-25. Review status: criteria provided, single submitter. Criteria: Invitae Variant Classification Sherloc (09022015). Collection method: clinical testing. Allele origin: germline.
Comment: This sequence change affects a donor splice site in intron 7 of the PTCH1 gene. It is expected to disrupt RNA splicing. Variants that disrupt the donor or acceptor splice site typically lead to a loss of protein function (PMID: 16199547), and loss-of-function variants in PTCH1 are known to be pathogenic (PMID: 16301862, 16419085). This variant is not present in population databases (gnomAD no frequency). Disruption of this splice site has been observed in individuals with basal cell nevus syndrome (PMID: 19521425; Invitae). Algorithms developed to predict the effect of sequence changes on RNA splicing suggest that this variant may disrupt the consensus splice site. For these reasons, this variant has been classified as Pathogenic.

Literature cited by the submitters: PubMed 16199547; PubMed 16301862; PubMed 16419085; PubMed 19521425.